The following is an entry in ClinVar:

ClinVar aggregate classification (germline): Likely benign. Review status: criteria provided, multiple submitters, no conflicts (2 of 4 stars). 4 submissions from 4 submitters: Likely benign (4). Last evaluated 2026-01-01.

Conditions:
Inborn genetic diseases. Identifiers: MedGen C0950123, MeSH D030342.
KBG syndrome (KBGS). Also called: ANKRD11-Related KBG Syndrome. Identifiers: Orphanet 2332, MedGen C0220687, MONDO:0007846, OMIM 148050.

Allele frequency attached by ClinVar (database versions not stated): gnomAD 0.00003; gnomAD exomes 0.00006; TOPMed 0.00006; ExAC 0.00008; ESP Exome Variant Server 0.00015.
gnomAD v4.1: 92 of 1,613,932 alleles (0.0057%); highest among the groups gnomAD compares: Middle Eastern, 0.049%; 1 homozygote.

Submissions (4):

CeGaT Center for Human Genetics Tuebingen
Classification: Likely benign. Last evaluated: 2026-01-01. Review status: criteria provided, single submitter. Criteria: CeGaT Center For Human Genetics Tuebingen Variant Classification Criteria Version 2. Collection method: clinical testing. Allele origin: germline. Affected: yes. Observed: 1 variant allele.
Comment: ANKRD11: BP4, BP7

Labcorp Genetics (formerly Invitae), Labcorp
Classification: Likely benign for KBG syndrome. Last evaluated: 2025-12-16. Review status: criteria provided, single submitter. Criteria: Invitae Variant Classification Sherloc (09022015). Collection method: clinical testing. Allele origin: germline.

Blueprint Genetics
Classification: Likely benign. Last evaluated: 2024-11-20. Review status: criteria provided, single submitter. Criteria: ACMG Guidelines, 2015. Collection method: clinical testing. Allele origin: germline.

Ambry Genetics
Classification: Likely benign for Inborn genetic diseases. Last evaluated: 2020-04-07. Review status: criteria provided, single submitter. Criteria: Ambry Variant Classification Scheme 2023. Collection method: clinical testing. Allele origin: germline.

NM_013275.6(ANKRD11):c.7749C>T (p.Asn2583=)

Gene: ANKRD11 (ankyrin repeat domain 11; minus strand). Cytogenetic location: 16q24.3.
Variant type: single nucleotide variant.
Coding change: c.7749C>T on transcript NM_013275.6 (MANE Select); coding-DNA position 7749, C replaced by T.
Protein change: p.Asn2583=; no amino-acid change (asparagine 2583 retained).
Molecular consequence: synonymous variant.
Genome position (GRCh38, 1-based): chr16:89,270,874, G>A on the plus strand (C>T on the coding strand, the complement: ANKRD11 is on the minus strand). VCF-style: chr16-89270874-G-A. GRCh37 (hg19) VCF-style: chr16-89337282-G-A.
Other names: c.7749C>T, p.Asn2583= (NM_001256182.2, NM_001256183.2).
Identifiers: ClinVar variation 1760427 (VCV001760427.12), dbSNP rs138161949, ClinGen allele CA8241020.
Genomic context (GRCh38, chr16:89,270,874, plus strand): 5'-GACCTTCATGCGGTCATACTTGTCATCCACGTCCTGGAGCCAGGAGATGAACTGGCGGGC[G>A]TTGAAACGGTCGCGCACTGACTTGTTCTCGTCACCCTGTGGAAACCAAACACGGGAGTTT-3'
Protein context (NP_037407.4, residues 2573-2593): DENKSVRDRF[Asn2583=]ARQFISWLQD